The following is an entry in ClinVar:

ClinVar aggregate classification (germline): Benign/Likely benign. Review status: criteria provided, multiple submitters, no conflicts (2 of 4 stars). 2 submissions from 2 submitters: Benign (1); Likely benign (1). Last evaluated 2024-11-05.

Allele frequency attached by ClinVar (database versions not stated): gnomAD 0.00351 and 0.00328; 1000 Genomes Project 0.00479; ESP Exome Variant Server 0.00361; 1000 Genomes Project 30x 0.00547.
gnomAD v4.1: 1,040 of 1,611,634 alleles (0.065%); highest among the groups gnomAD compares: African/African-American, 1.2%; 6 homozygotes.

Submissions (2):

Mayo Clinic Laboratories, Mayo Clinic
Classification: Benign. Last evaluated: 2024-11-05. Review status: criteria provided, single submitter. Criteria: ACMG Guidelines, 2015. Collection method: clinical testing. Allele origin: germline. Observed: 1 variant allele.
Comment: BA1, BP4, BP7

GeneDx
Classification: Likely benign. Last evaluated: 2018-09-09. Review status: criteria provided, single submitter. Criteria: GeneDx Variant Classification Process June 2021. Collection method: clinical testing. Allele origin: germline. Affected: yes.

NM_004817.4(TJP2):c.3407+22C>G

Gene: TJP2 (tight junction protein 2; plus strand). Cytogenetic location: 9q21.11.
Variant type: single nucleotide variant.
Coding change: c.3407+22C>G on transcript NM_004817.4 (MANE Select); 22 bases into the intron after coding-DNA position 3407, C replaced by G.
Molecular consequence: intron variant.
Genome position (GRCh38, 1-based): chr9:69,252,922, C>G. VCF-style: chr9-69252922-C-G. GRCh37 (hg19) VCF-style: chr9-71867838-C-G.
Other names: p.?; c.2897+22C>G (NM_001170414.2); c.3332+22C>G (NM_001369870.1); c.3338+22C>G (NM_001369871.1); c.2966+22C>G (NM_201629.3); c.3296+22C>G (NM_001369872.1); c.3083+22C>G (NM_001369873.1); c.3308+22C>G (NM_001170415.1); and 3 more.
Identifiers: ClinVar variation 1210483 (VCV001210483.4), dbSNP rs78327988, ClinGen allele CA5073958.